The following is an entry in ClinVar:

ClinVar aggregate classification (germline): Uncertain significance (1 of 4 stars; one submission).

Submission:

GeneDx
Classification: Uncertain significance. Last evaluated: 2022-06-09. Review status: criteria provided, single submitter. Criteria: GeneDx Variant Classification Process June 2021. Collection method: clinical testing. Allele origin: germline. Affected: yes.
Comment: Not observed at significant frequency in large population cohorts (gnomAD); In silico analysis supports that this missense variant has a deleterious effect on protein structure/function; Has not been previously published as pathogenic or benign to our knowledge

NM_007347.5(AP4E1):c.925A>T (p.Asn309Tyr)

Gene: AP4E1 (adaptor related protein complex 4 subunit epsilon 1; plus strand). Cytogenetic location: 15q21.2.
Variant type: single nucleotide variant.
Coding change: c.925A>T on transcript NM_007347.5 (MANE Select); coding-DNA position 925, A replaced by T.
Protein change: p.Asn309Tyr; replaces asparagine 309 with tyrosine.
Molecular consequence: missense variant.
Genome position (GRCh38, 1-based): chr15:50,934,679, A>T. VCF-style: chr15-50934679-A-T. GRCh37 (hg19) VCF-style: chr15-51226876-A-T.
Other names: c.700A>T, p.Asn234Tyr (NM_001252127.2); short protein forms N234Y, N309Y.
Identifiers: ClinVar variation 1803320 (VCV001803320.1), dbSNP rs2504725280, ClinGen allele CA392416495.